The following is an entry in ClinVar:

NM_015602.4(TOR1AIP1):c.112G>A (p.Gly38Ser)

Genes: TOR1AIP1 (torsin 1A interacting protein 1; plus strand), LOC112577517 (Sharpr-MPRA regulatory region 13766; plus strand). Cytogenetic location: 1q25.2.
Variant type: single nucleotide variant.
Coding change: c.112G>A on transcript NM_015602.4 (MANE Select); coding-DNA position 112, G replaced by A.
Protein change: p.Gly38Ser; replaces glycine 38 with serine.
Molecular consequence: missense variant.
Genome position (GRCh38, 1-based): chr1:179,882,614, G>A. VCF-style: chr1-179882614-G-A. GRCh37 (hg19) VCF-style: chr1-179851749-G-A.
Other names: c.112G>A (NM_015602.2); c.112G>A, p.Gly38Ser (NM_001267578.2); short protein forms G38S.
Identifiers: ClinVar variation 959321 (VCV000959321.7), dbSNP rs777102321, ClinGen allele CA1268653.

ClinVar aggregate classification (germline): Uncertain significance. Review status: criteria provided, multiple submitters, no conflicts (2 of 4 stars). 3 submissions from 3 submitters: Uncertain significance (3). Last evaluated 2025-08-13.

Conditions:
Inborn genetic diseases. Identifiers: MedGen C0950123, MeSH D030342.
Autosomal recessive limb-girdle muscular dystrophy type 2Y (MRRSDC). Also called: Muscular dystrophy, autosomal recessive, with rigid spine and distal joint contractures; Muscular dystrophy, limb-girdle, type 2y. Identifiers: Orphanet 424261, MedGen C4511482, MONDO:0014900, OMIM 617072.

Allele frequency attached by ClinVar (database versions not stated): gnomAD 0.00001; gnomAD exomes 0.00001 and 0.00003; TOPMed 0.00002; ExAC 0.00003.

Submissions (3):

GeneDx
Classification: Uncertain significance. Last evaluated: 2025-08-13. Review status: criteria provided, single submitter. Criteria: GeneDx Variant Classification Process June 2021. Collection method: clinical testing. Allele origin: germline. Affected: yes.
Comment: In silico analysis suggests that this missense variant does not alter protein structure/function; Has not been previously published as pathogenic or benign to our knowledge

Ambry Genetics
Classification: Uncertain significance for Inborn genetic diseases. Last evaluated: 2025-04-02. Review status: criteria provided, single submitter. Criteria: Ambry Variant Classification Scheme 2023. Collection method: clinical testing. Allele origin: germline.

Labcorp Genetics (formerly Invitae), Labcorp
Classification: Uncertain significance for Autosomal recessive limb-girdle muscular dystrophy type 2Y. Last evaluated: 2023-08-10. Review status: criteria provided, single submitter. Criteria: Invitae Variant Classification Sherloc (09022015). Collection method: clinical testing. Allele origin: germline.
Comment: In summary, the available evidence is currently insufficient to determine the role of this variant in disease. Therefore, it has been classified as a Variant of Uncertain Significance. Algorithms developed to predict the effect of missense changes on protein structure and function output the following: SIFT: "Not Available"; PolyPhen-2: "Benign"; Align-GVGD: "Not Available". The serine amino acid residue is found in multiple mammalian species, which suggests that this missense change does not adversely affect protein function. ClinVar contains an entry for this variant (Variation ID: 959321). This variant has not been reported in the literature in individuals affected with TOR1AIP1-related conditions. This variant is present in population databases (rs777102321, gnomAD 0.02%). This sequence change replaces glycine, which is neutral and non-polar, with serine, which is neutral and polar, at codon 38 of the TOR1AIP1 protein (p.Gly38Ser).